The following is an entry in ClinVar:

ClinVar aggregate classification (germline): Uncertain significance. Review status: criteria provided, multiple submitters, no conflicts (2 of 4 stars). 2 submissions from 2 submitters: Uncertain significance (2). Last evaluated 2025-10-14.

Conditions:
Emery-Dreifuss muscular dystrophy 5, autosomal dominant (EDMD5). Also called: EMERY-DREIFUSS MUSCULAR DYSTROPHY 5. Identifiers: Orphanet 261, MedGen C2751805, MONDO:0013072, OMIM 612999.

gnomAD v4.1: 8 of 1,613,956 alleles (0.0005%); highest among the groups gnomAD compares: African/African-American, 0.0093%; no homozygotes.

Submissions (2):

Labcorp Genetics (formerly Invitae), Labcorp
Classification: Uncertain significance for Emery-Dreifuss muscular dystrophy 5, autosomal dominant. Last evaluated: 2025-10-14. Review status: criteria provided, single submitter. Criteria: Invitae Variant Classification Sherloc (09022015). Collection method: clinical testing. Allele origin: germline.
Comment: This sequence change replaces isoleucine, which is neutral and non-polar, with phenylalanine, which is neutral and non-polar, at codon 5341 of the SYNE2 protein (p.Ile5341Phe). This variant is present in population databases (rs765618751, gnomAD 0.01%). This variant has not been reported in the literature in individuals affected with SYNE2-related conditions. An algorithm developed to predict the effect of missense changes on protein structure and function (PolyPhen-2) suggests that this variant is likely to be disruptive. In summary, the available evidence is currently insufficient to determine the role of this variant in disease. Therefore, it has been classified as a Variant of Uncertain Significance.

Ambry Genetics
Classification: Uncertain significance. Last evaluated: 2025-09-10. Review status: criteria provided, single submitter. Criteria: Ambry Variant Classification Scheme 2023. Collection method: clinical testing. Allele origin: germline.

NM_182914.3(SYNE2):c.16021A>T (p.Ile5341Phe)

Gene: SYNE2 (spectrin repeat containing nuclear envelope protein 2; plus strand). Cytogenetic location: 14q23.2.
Variant type: single nucleotide variant.
Coding change: c.16021A>T on transcript NM_182914.3 (MANE Select); coding-DNA position 16021, A replaced by T.
Protein change: p.Ile5341Phe; replaces isoleucine 5341 with phenylalanine.
Molecular consequence: missense variant.
Genome position (GRCh38, 1-based): chr14:64,159,369, A>T. VCF-style: chr14-64159369-A-T. GRCh37 (hg19) VCF-style: chr14-64626087-A-T.
Other names: c.16021A>T, p.Ile5341Phe (NM_015180.6); short protein forms I5341F.
Identifiers: ClinVar variation 4178621 (VCV004178621.2).